The following is an entry in ClinVar:

NM_001080517.3(SETD5):c.3716A>T (p.Tyr1239Phe)

Gene: SETD5 (SET domain containing 5; plus strand). Cytogenetic location: 3p25.3.
Variant type: single nucleotide variant.
Coding change: c.3716A>T on transcript NM_001080517.3 (MANE Select); coding-DNA position 3716, A replaced by T.
Protein change: p.Tyr1239Phe; replaces tyrosine 1239 with phenylalanine.
Molecular consequence: missense variant.
Genome position (GRCh38, 1-based): chr3:9,475,152, A>T. VCF-style: chr3-9475152-A-T. GRCh37 (hg19) VCF-style: chr3-9516836-A-T.
Other names: c.3422A>T, p.Tyr1141Phe (NM_001292043.2, NM_001349451.2); short protein forms Y1141F, Y1239F.
Identifiers: ClinVar variation 3906782 (VCV003906782.1).

ClinVar aggregate classification (germline): Uncertain significance (1 of 4 stars; one submission).

Submission:

GeneDx
Classification: Uncertain significance. Last evaluated: 2024-12-17. Review status: criteria provided, single submitter. Criteria: GeneDx Variant Classification Process June 2021. Collection method: clinical testing. Allele origin: germline. Affected: yes.
Comment: Not observed at significant frequency in large population cohorts (gnomAD); In silico analysis indicates that this missense variant does not alter protein structure/function; Has not been previously published as pathogenic or benign to our knowledge